The following is an entry in ClinVar:

ClinVar aggregate classification (germline): Pathogenic (1 of 4 stars; one submission).

Conditions:
Gastrointestinal stromal tumor. Also called: Gastrointestinal stromal tumor, somatic; Gastrointestinal stroma tumor. Identifiers: Orphanet 44890, MedGen C0238198, MeSH D046152, MONDO:0011719, OMIM 606764, HP:0100723.

Submission:

Labcorp Genetics (formerly Invitae), Labcorp
Classification: Pathogenic for Gastrointestinal stromal tumor. Last evaluated: 2025-04-29. Review status: criteria provided, single submitter. Criteria: Invitae Variant Classification Sherloc (09022015). Collection method: clinical testing. Allele origin: germline.
Comment: This sequence change creates a premature translational stop signal (p.Ala597Cysfs*9) in the KIT gene. It is expected to result in an absent or disrupted protein product. Loss-of-function variants in KIT are known to be pathogenic (PMID: 15194144). This variant is not present in population databases (gnomAD no frequency). This variant has not been reported in the literature in individuals affected with KIT-related conditions. For these reasons, this variant has been classified as Pathogenic.

Literature cited by the submitters: PubMed 15194144.

NM_000222.3(KIT):c.1788dup (p.Ala597fs)

Gene: KIT (KIT proto-oncogene, receptor tyrosine kinase; plus strand). Cytogenetic location: 4q12.
Variant type: Duplication.
Coding change: c.1788dup on transcript NM_000222.3 (MANE Select); coding-DNA position 1788, one base duplicated (T; older notation c.1788dupT).
Protein change: p.Ala597fs; shifts the reading frame from alanine 597.
Molecular consequence: frameshift variant.
Genome position (GRCh38, 1-based): chr4:54,727,836, T duplicated. VCF-style (leftmost placement, unchanged base first): chr4-54727835-G-GT. GRCh37 (hg19) VCF-style: chr4-55594001-G-GT.
Other names: c.1776dup, p.Ala593fs (NM_001093772.2, NM_001385286.1); c.1791dup, p.Ala598fs (NM_001385284.1, NM_001385290.1); c.1788dup, p.Ala597fs (NM_001385285.1); c.1779dup, p.Ala594fs (NM_001385288.1, NM_001385292.1); short protein forms A594fs, A597fs, A598fs, A593fs.
Identifiers: ClinVar variation 4718275 (VCV004718275.1).